The following is an entry in ClinVar:

ClinVar aggregate classification (germline): Uncertain significance (1 of 4 stars; one submission).

Conditions:
Neurofibromatosis, type 1 (NF1). Also called: Neurofibromatosis, type I; VON RECKLINGHAUSEN DISEASE; Peripheral type neurofibromatosis; NEUROFIBROMATOSIS, TYPE I, SOMATIC. Identifiers: Orphanet 636, MedGen C0027831, MONDO:0018975, OMIM 162200. Disease mechanism: loss of function.

Submission:

Labcorp Genetics (formerly Invitae), Labcorp
Classification: Uncertain significance for Neurofibromatosis, type 1. Last evaluated: 2019-05-12. Review status: criteria provided, single submitter. Criteria: Invitae Variant Classification Sherloc (09022015). Collection method: clinical testing. Allele origin: germline.
Comment: This variant has not been reported in the literature in individuals with NF1-related conditions. In summary, the available evidence is currently insufficient to determine the role of this variant in disease. Therefore, it has been classified as a Variant of Uncertain Significance. Algorithms developed to predict the effect of missense changes on protein structure and function are either unavailable or do not agree on the potential impact of this missense change (SIFT: "Tolerated"; PolyPhen-2: "Probably Damaging"; Align-GVGD: "Class C0"). This variant is not present in population databases (ExAC no frequency). This sequence change replaces glutamic acid with aspartic acid at codon 116 of the NF1 protein (p.Glu116Asp). The glutamic acid residue is moderately conserved and there is a small physicochemical difference between glutamic acid and aspartic acid.

NM_001042492.3(NF1):c.348A>C (p.Glu116Asp)

Gene: NF1 (neurofibromin 1; plus strand). Cytogenetic location: 17q11.2.
Variant type: single nucleotide variant.
Coding change: c.348A>C on transcript NM_001042492.3 (MANE Select); coding-DNA position 348, A replaced by C.
Protein change: p.Glu116Asp; replaces glutamic acid 116 with aspartic acid.
Molecular consequence: missense variant.
Genome position (GRCh38, 1-based): chr17:31,163,245, A>C. VCF-style: chr17-31163245-A-C. GRCh37 (hg19) VCF-style: chr17-29490263-A-C.
Other names: c.348A>C, p.Glu116Asp (NM_000267.4, NM_001128147.3); short protein forms E116D.
Identifiers: ClinVar variation 862539 (VCV000862539.6), dbSNP rs1231174547, ClinGen allele CA398981756.